The following is an entry in ClinVar:

NM_004655.4(AXIN2):c.91G>A (p.Gly31Arg)

Gene: AXIN2 (axin 2; minus strand). Cytogenetic location: 17q24.1.
Variant type: single nucleotide variant.
Coding change: c.91G>A on transcript NM_004655.4 (MANE Select); coding-DNA position 91, G replaced by A.
Protein change: p.Gly31Arg; replaces glycine 31 with arginine.
Molecular consequence: missense variant.
Genome position (GRCh38, 1-based): chr17:65,558,530, C>T on the plus strand (G>A on the coding strand, the complement: AXIN2 is on the minus strand). VCF-style: chr17-65558530-C-T. GRCh37 (hg19) VCF-style: chr17-63554648-C-T.
Other names: c.91G>A (LRG_296t1); c.91G>A, p.Gly31Arg (NM_001363813.1); short protein forms G31R.
Identifiers: ClinVar variation 464646 (VCV000464646.13), dbSNP rs1381395730, ClinGen allele CA400682222.

ClinVar aggregate classification (germline): Uncertain significance. Review status: criteria provided, multiple submitters, no conflicts (2 of 4 stars). 2 submissions from 2 submitters: Uncertain significance (2). Last evaluated 2025-09-08.

Conditions:
Hereditary cancer-predisposing syndrome. Also called: Neoplastic Syndromes, Hereditary; Tumor predisposition; Hereditary Cancer Syndrome; Hereditary neoplastic syndrome. Identifiers: Orphanet 140162, MedGen C0027672, MeSH D009386, MONDO:0015356.
Oligodontia-cancer predisposition syndrome. Also called: TOOTH AGENESIS-COLORECTAL CANCER SYNDROME. Identifiers: Orphanet 300576, MedGen C1837750, MONDO:0012075, OMIM 608615. Disease mechanism: loss of function.

Submissions (2):

Labcorp Genetics (formerly Invitae), Labcorp
Classification: Uncertain significance for Oligodontia-cancer predisposition syndrome. Last evaluated: 2025-09-08. Review status: criteria provided, single submitter. Criteria: Invitae Variant Classification Sherloc (09022015). Collection method: clinical testing. Allele origin: germline.
Comment: This sequence change replaces glycine, which is neutral and non-polar, with arginine, which is basic and polar, at codon 31 of the AXIN2 protein (p.Gly31Arg). This variant is not present in population databases (gnomAD no frequency). This variant has not been reported in the literature in individuals affected with AXIN2-related conditions. ClinVar contains an entry for this variant (Variation ID: 464646). Invitae Evidence Modeling of protein sequence and biophysical properties (such as structural, functional, and spatial information, amino acid conservation, physicochemical variation, residue mobility, and thermodynamic stability) indicates that this missense variant is expected to disrupt AXIN2 protein function with a positive predictive value of 80%. In summary, the available evidence is currently insufficient to determine the role of this variant in disease. Therefore, it has been classified as a Variant of Uncertain Significance.

Ambry Genetics
Classification: Uncertain significance for Hereditary cancer-predisposing syndrome. Last evaluated: 2022-09-01. Review status: criteria provided, single submitter. Criteria: Ambry Variant Classification Scheme 2023. Collection method: clinical testing. Allele origin: germline.
Comment: The p.G31R variant (also known as c.91G>A), located in coding exon 1 of the AXIN2 gene, results from a G to A substitution at nucleotide position 91. The glycine at codon 31 is replaced by arginine, an amino acid with dissimilar properties. This amino acid position is conserved. In addition, the in silico prediction for this alteration is inconclusive. Since supporting evidence is limited at this time, the clinical significance of this alteration remains unclear.